The following is an entry in ClinVar:

NM_001012720.2(RGR):c.25A>T (p.Thr9Ser)

Gene: RGR (retinal G protein coupled receptor; plus strand). Cytogenetic location: 10q23.1.
Variant type: single nucleotide variant.
Coding change: c.25A>T on transcript NM_001012720.2 (MANE Select); coding-DNA position 25, A replaced by T.
Protein change: p.Thr9Ser; replaces threonine 9 with serine.
Molecular consequence: missense variant.
Genome position (GRCh38, 1-based): chr10:84,245,115, A>T. VCF-style: chr10-84245115-A-T. GRCh37 (hg19) VCF-style: chr10-86004871-A-T.
Other names: c.25A>T, p.Thr9Ser (NM_001012722.2, NM_002921.4); short protein forms T9S.
Identifiers: ClinVar variation 1469685 (VCV001469685.8), dbSNP rs1842731103, ClinGen allele CA377390455.

ClinVar aggregate classification (germline): Uncertain significance (1 of 4 stars; one submission).

gnomAD v4.1: 1 of 1,613,648 alleles (0.000062%); highest among the groups gnomAD compares: Non-Finnish European, 0.000085%; no homozygotes.

Submission:

Labcorp Genetics (formerly Invitae), Labcorp
Classification: Uncertain significance. Last evaluated: 2023-08-04. Review status: criteria provided, single submitter. Criteria: Invitae Variant Classification Sherloc (09022015). Collection method: clinical testing. Allele origin: germline.
Comment: This sequence change replaces threonine, which is neutral and polar, with serine, which is neutral and polar, at codon 9 of the RGR protein (p.Thr9Ser). This variant is not present in population databases (gnomAD no frequency). This variant has not been reported in the literature in individuals affected with RGR-related conditions. ClinVar contains an entry for this variant (Variation ID: 1469685). Experimental studies and prediction algorithms are not available or were not evaluated, and the functional significance of this variant is currently unknown. In summary, the available evidence is currently insufficient to determine the role of this variant in disease. Therefore, it has been classified as a Variant of Uncertain Significance.